The following is an entry in ClinVar:

NM_022489.4(INF2):c.637G>C (p.Ala213Pro)

Gene: INF2 (inverted formin 2; plus strand). Cytogenetic location: 14q32.33.
Variant type: single nucleotide variant.
Coding change: c.637G>C on transcript NM_022489.4 (MANE Select); coding-DNA position 637, G replaced by C.
Protein change: p.Ala213Pro; replaces alanine 213 with proline.
Molecular consequence: missense variant.
Genome position (GRCh38, 1-based): chr14:104,703,424, G>C. VCF-style: chr14-104703424-G-C. GRCh37 (hg19) VCF-style: chr14-105169761-G-C.
Other names: c.637G>C, p.Ala213Pro (NM_001031714.4, NM_032714.3); short protein forms A213P.
Identifiers: ClinVar variation 1473161 (VCV001473161.6), dbSNP rs778267218, ClinGen allele CA391213426.

ClinVar aggregate classification (germline): Uncertain significance (1 of 4 stars; one submission).

Conditions:
Focal segmental glomerulosclerosis 5 (FSGS5). Identifiers: Orphanet 656, MedGen C2750475, MONDO:0013191, OMIM 613237.
Charcot-Marie-Tooth disease dominant intermediate E. Also called: CHARCOT-MARIE-TOOTH NEUROPATHY WITH FOCAL SEGMENTAL GLOMERULONEPHRITIS. Identifiers: Orphanet 93114, MedGen C4302667, MONDO:0013758, OMIM 614455.

Submission:

Labcorp Genetics (formerly Invitae), Labcorp
Classification: Uncertain significance for Charcot-Marie-Tooth disease dominant intermediate E; Focal segmental glomerulosclerosis 5. Last evaluated: 2021-10-21. Review status: criteria provided, single submitter. Criteria: Invitae Variant Classification Sherloc (09022015). Collection method: clinical testing. Allele origin: germline.
Comment: This sequence change replaces alanine, which is neutral and non-polar, with proline, which is neutral and non-polar, at codon 213 of the INF2 protein (p.Ala213Pro). This variant is not present in population databases (gnomAD no frequency). This variant has not been reported in the literature in individuals affected with INF2-related conditions. Algorithms developed to predict the effect of missense changes on protein structure and function are either unavailable or do not agree on the potential impact of this missense change (SIFT: "Tolerated"; PolyPhen-2: "Possibly Damaging"; Align-GVGD: "Class C0"). In summary, the available evidence is currently insufficient to determine the role of this variant in disease. Therefore, it has been classified as a Variant of Uncertain Significance.